The following is an entry in ClinVar:

NM_002439.5(MSH3):c.2342A>T (p.His781Leu)

Gene: MSH3 (mutS homolog 3; plus strand). Cytogenetic location: 5q14.1.
Variant type: single nucleotide variant.
Coding change: c.2342A>T on transcript NM_002439.5 (MANE Select); coding-DNA position 2342, A replaced by T.
Protein change: p.His781Leu; replaces histidine 781 with leucine.
Molecular consequence: missense variant.
Genome position (GRCh38, 1-based): chr5:80,778,743, A>T. VCF-style: chr5-80778743-A-T. GRCh37 (hg19) VCF-style: chr5-80074562-A-T.
Other names: short protein forms H781L.
Identifiers: ClinVar variation 863133 (VCV000863133.15), dbSNP rs753129920, ClinGen allele CA3328228.

ClinVar aggregate classification (germline): Uncertain significance. Review status: criteria provided, multiple submitters, no conflicts (2 of 4 stars). 3 submissions from 3 submitters: Uncertain significance (3). Last evaluated 2025-07-08.

Conditions:
Hereditary cancer-predisposing syndrome. Also called: Hereditary Cancer Syndrome; Tumor predisposition; Neoplastic Syndromes, Hereditary; Hereditary neoplastic syndrome. Identifiers: Orphanet 140162, MedGen C0027672, MeSH D009386, MONDO:0015356.

Allele frequency attached by ClinVar (database versions not stated): ExAC 0.00001; gnomAD exomes 0.00001.
gnomAD v4.1: 4 of 1,611,590 alleles (0.00025%); highest among the groups gnomAD compares: Non-Finnish European, 0.00034%; no homozygotes.

Submissions (3):

Labcorp Genetics (formerly Invitae), Labcorp
Classification: Uncertain significance. Last evaluated: 2025-07-08. Review status: criteria provided, single submitter. Criteria: Invitae Variant Classification Sherloc (09022015). Collection method: clinical testing. Allele origin: germline.
Comment: This sequence change replaces histidine, which is basic and polar, with leucine, which is neutral and non-polar, at codon 781 of the MSH3 protein (p.His781Leu). This variant is present in population databases (rs753129920, gnomAD 0.002%). This variant has not been reported in the literature in individuals affected with MSH3-related conditions. ClinVar contains an entry for this variant (Variation ID: 863133). An algorithm developed to predict the effect of missense changes on protein structure and function (PolyPhen-2) suggests that this variant is likely to be disruptive. Algorithms developed to predict the effect of sequence changes on RNA splicing suggest that this variant may create or strengthen a splice site. In summary, the available evidence is currently insufficient to determine the role of this variant in disease. Therefore, it has been classified as a Variant of Uncertain Significance.

Center for Genomic Medicine, Rigshospitalet, Copenhagen University Hospital
Classification: Uncertain significance. Last evaluated: 2025-03-04. Review status: criteria provided, single submitter. Criteria: ACMG Guidelines, 2015. Collection method: clinical testing. Allele origin: germline.

Ambry Genetics
Classification: Uncertain significance for Hereditary cancer-predisposing syndrome. Last evaluated: 2025-01-09. Review status: criteria provided, single submitter. Criteria: Ambry Variant Classification Scheme 2023. Collection method: clinical testing. Allele origin: germline.
Comment: The p.H781L variant (also known as c.2342A>T), located in coding exon 17 of the MSH3 gene, results from an A to T substitution at nucleotide position 2342. The histidine at codon 781 is replaced by leucine, an amino acid with similar properties. This amino acid position is conserved. In addition, this alteration is predicted to be deleterious by in silico analysis. Since supporting evidence is limited at this time, the clinical significance of this alteration remains unclear.